The following is an entry in ClinVar:

NM_000548.5(TSC2):c.3653C>T (p.Pro1218Leu)

Gene: TSC2 (TSC complex subunit 2; plus strand). Cytogenetic location: 16p13.3.
Variant type: single nucleotide variant.
Coding change: c.3653C>T on transcript NM_000548.5 (MANE Select); coding-DNA position 3653, C replaced by T.
Protein change: p.Pro1218Leu; replaces proline 1218 with leucine.
Molecular consequence: missense variant. On other transcripts: non-coding transcript variant (5).
Genome position (GRCh38, 1-based): chr16:2,081,637, C>T. VCF-style: chr16-2081637-C-T. GRCh37 (hg19) VCF-style: chr16-2131638-C-T.
Other names: c.3521C>T, p.Pro1174Leu (NM_001077183.3, NM_001370404.1, NM_001406665.1); c.3653C>T, p.Pro1218Leu (NM_001114382.3); c.3413C>T, p.Pro1138Leu (NM_001318827.2); c.3377C>T, p.Pro1126Leu (NM_001318829.2); c.2921C>T, p.Pro974Leu (NM_001318831.2, NM_001406687.1, NM_001406688.1); c.3554C>T, p.Pro1185Leu (NM_001318832.2); c.3524C>T, p.Pro1175Leu (NM_001363528.2, NM_001370405.1, NM_021055.3); c.3650C>T, p.Pro1217Leu (NM_001406663.1, NM_001406664.1); and 18 more; short protein forms P1126L, P1137L, P1218L, P974L, P1125L, P1181L, P1185L, P1204L.
Identifiers: ClinVar variation 3811364 (VCV003811364.1).

ClinVar aggregate classification (germline): Uncertain significance (1 of 4 stars; one submission).

Conditions:
Hereditary cancer-predisposing syndrome. Also called: Hereditary neoplastic syndrome; Neoplastic Syndromes, Hereditary; Tumor predisposition; Hereditary Cancer Syndrome. Identifiers: Orphanet 140162, MedGen C0027672, MeSH D009386, MONDO:0015356.

Submission:

Ambry Genetics
Classification: Uncertain significance for Hereditary cancer-predisposing syndrome. Last evaluated: 2025-02-21. Review status: criteria provided, single submitter. Criteria: Ambry Variant Classification Scheme 2023. Collection method: clinical testing. Allele origin: germline.
Comment: The p.P1218L variant (also known as c.3653C>T), located in coding exon 30 of the TSC2 gene, results from a C to T substitution at nucleotide position 3653. The proline at codon 1218 is replaced by leucine, an amino acid with similar properties. This amino acid position is conserved. In addition, this alteration is predicted to be deleterious by in silico analysis. Based on the available evidence, the clinical significance of this variant remains unclear.